The following is an entry in ClinVar:

ClinVar aggregate classification (germline): Pathogenic (1 of 4 stars; one submission).

Conditions:
Hereditary cancer-predisposing syndrome. Also called: Neoplastic Syndromes, Hereditary; Tumor predisposition; Hereditary Cancer Syndrome; Hereditary neoplastic syndrome. Identifiers: Orphanet 140162, MedGen C0027672, MeSH D009386, MONDO:0015356.

Submission:

Ambry Genetics
Classification: Pathogenic for Hereditary cancer-predisposing syndrome. Last evaluated: 2018-11-29. Review status: criteria provided, single submitter. Criteria: Ambry Variant Classification Scheme 2023. Collection method: clinical testing. Allele origin: germline.
Comment: The c.215_219dupTACAT pathogenic mutation, located in coding exon 3 of the MRE11A gene, results from a duplication of TACAT at nucleotide position 215, causing a translational frameshift with a predicted alternate stop codon (p.T74Yfs*8). This alteration is expected to result in loss of function by premature protein truncation or nonsense-mediated mRNA decay. As such, this alteration is interpreted as a disease-causing mutation.

NM_005591.4(MRE11):c.215_219dup (p.Thr74fs)

Gene: MRE11 (MRE11 double strand break repair nuclease; minus strand). Cytogenetic location: 11q21.
Variant type: Duplication.
Coding change: c.215_219dup on transcript NM_005591.4 (MANE Select); coding-DNA positions 215 to 219, 5 bases duplicated (TACAT; older notation c.215_219dupTACAT).
Protein change: p.Thr74fs; shifts the reading frame from threonine 74.
Molecular consequence: frameshift variant.
Genome position (GRCh38, 1-based): chr11:94,486,019-94,486,023, ATGTA duplicated on the plus strand (TACAT on the coding strand, the reverse complement: MRE11 is on the minus strand); duplicating any 5 consecutive bases within chr11:94,486,019-94,486,027 gives the same sequence; the c. name uses the placement nearest the transcript's 3' end. VCF-style (leftmost placement, unchanged base first): chr11-94486018-T-TATGTA. GRCh37 (hg19) VCF-style: chr11-94219184-T-TATGTA.
Other names: c.215_219dup, p.Thr74fs (NM_001330347.2, NM_005590.4); short protein forms T74fs.
Identifiers: ClinVar variation 820802 (VCV000820802.4), dbSNP rs1591719208, ClinGen allele CA915948382.